The following is an entry in ClinVar:

ClinVar aggregate classification (germline): Uncertain significance (1 of 4 stars; one submission).

Conditions:
Amyotrophic lateral sclerosis type 4 (ALS4). Also called: NEURONOPATHY, DISTAL HEREDITARY MOTOR, WITH PYRAMIDAL FEATURES; AMYOTROPHIC LATERAL SCLEROSIS 4, JUVENILE. Identifiers: Orphanet 357043, MedGen C1865409, MONDO:0011223, OMIM 602433.
Spinocerebellar ataxia, autosomal recessive, with axonal neuropathy 2 (SCAN2). Also called: Ataxia-ocular apraxia-2; ATAXIA-OCULOMOTOR APRAXIA 2; Ataxia with Oculomotor Apraxia; Ataxia with Oculomotor Apraxia Type 2. Identifiers: Orphanet 64753, MedGen C1853761, MONDO:0018996, OMIM 606002.

Submission:

Labcorp Genetics (formerly Invitae), Labcorp
Classification: Uncertain significance for Amyotrophic lateral sclerosis type 4; Spinocerebellar ataxia, autosomal recessive, with axonal neuropathy 2. Last evaluated: 2022-07-19. Review status: criteria provided, single submitter. Criteria: Invitae Variant Classification Sherloc (09022015). Collection method: clinical testing. Allele origin: germline.
Comment: In summary, the available evidence is currently insufficient to determine the role of this variant in disease. Therefore, it has been classified as a Variant of Uncertain Significance. Advanced modeling of protein sequence and biophysical properties (such as structural, functional, and spatial information, amino acid conservation, physicochemical variation, residue mobility, and thermodynamic stability) performed at Invitae indicates that this missense variant is not expected to disrupt SETX protein function. ClinVar contains an entry for this variant (Variation ID: 939950). This variant has not been reported in the literature in individuals affected with SETX-related conditions. This variant is not present in population databases (gnomAD no frequency). This sequence change replaces threonine, which is neutral and polar, with proline, which is neutral and non-polar, at codon 1921 of the SETX protein (p.Thr1921Pro).

NM_015046.7(SETX):c.5761A>C (p.Thr1921Pro)

Gene: SETX (senataxin; minus strand). Cytogenetic location: 9q34.13.
Variant type: single nucleotide variant.
Coding change: c.5761A>C on transcript NM_015046.7 (MANE Select); coding-DNA position 5761, A replaced by C.
Protein change: p.Thr1921Pro; replaces threonine 1921 with proline.
Molecular consequence: missense variant.
Genome position (GRCh38, 1-based): chr9:132,298,100, T>G on the plus strand (A>C on the coding strand, the complement: SETX is on the minus strand). VCF-style: chr9-132298100-T-G. GRCh37 (hg19) VCF-style: chr9-135173487-T-G.
Other names: c.5761A>C, p.Thr1921Pro (NM_001351527.2, NM_001351528.2); short protein forms T1921P.
Identifiers: ClinVar variation 939950 (VCV000939950.10), dbSNP rs1844774142, ClinGen allele CA375345701.